The following is an entry in ClinVar:

ClinVar aggregate classification (germline): Uncertain significance (1 of 4 stars; one submission).

Conditions:
Inborn genetic diseases. Identifiers: MedGen C0950123, MeSH D030342.

gnomAD v4.1: 1 of 1,613,698 alleles (0.000062%); highest among the groups gnomAD compares: South Asian, 0.0011%; no homozygotes.

Submission:

Ambry Genetics
Classification: Uncertain significance for Inborn genetic diseases. Last evaluated: 2024-07-25. Review status: criteria provided, single submitter. Criteria: Ambry Variant Classification Scheme 2023. Collection method: clinical testing. Allele origin: germline.
Comment: The p.T324A variant (also known as c.970A>G), located in coding exon 7 of the SMAD2 gene, results from an A to G substitution at nucleotide position 970. The threonine at codon 324 is replaced by alanine, an amino acid with similar properties. This amino acid position is conserved. In addition, this alteration is predicted to be deleterious by in silico analysis. Based on the available evidence, the clinical significance of this variant remains unclear.

NM_005901.6(SMAD2):c.970A>G (p.Thr324Ala)

Gene: SMAD2 (SMAD family member 2; minus strand). Cytogenetic location: 18q21.1.
Variant type: single nucleotide variant.
Coding change: c.970A>G on transcript NM_005901.6 (MANE Select); coding-DNA position 970, A replaced by G.
Protein change: p.Thr324Ala; replaces threonine 324 with alanine.
Molecular consequence: missense variant.
Genome position (GRCh38, 1-based): chr18:47,848,502, T>C on the plus strand (A>G on the coding strand, the complement: SMAD2 is on the minus strand). VCF-style: chr18-47848502-T-C. GRCh37 (hg19) VCF-style: chr18-45374873-T-C.
Other names: c.970A>G, p.Thr324Ala (NM_001003652.4); c.880A>G, p.Thr294Ala (NM_001135937.3); short protein forms T294A, T324A.
Identifiers: ClinVar variation 3445791 (VCV003445791.1).